The following is an entry in ClinVar:

ClinVar aggregate classification (germline): Pathogenic (1 of 4 stars; one submission).

Conditions:
Neuronal ceroid lipofuscinosis 11. Also called: GRN-Related Neuronal Ceroid-Lipofuscinosis. Identifiers: Orphanet 314629, Orphanet 79262, MedGen C3539123, MONDO:0013866, OMIM 614706.
GRN-related frontotemporal lobar degeneration with Tdp43 inclusions (FTD2). Also called: DEMENTIA, HEREDITARY DYSPHASIC DISINHIBITION; FRONTOTEMPORAL LOBAR DEGENERATION WITH UBIQUITIN-POSITIVE INCLUSIONS; FTLD-TDP, GRN-RELATED; GRN Frontotemporal Dementia; FRONTOTEMPORAL DEMENTIA WITH TDP43 INCLUSIONS, GRN-RELATED. Identifiers: Orphanet 100070, Orphanet 282, MedGen C1843792, MONDO:0011842, OMIM 607485. Disease mechanism: loss of function.

Submission:

Labcorp Genetics (formerly Invitae), Labcorp
Classification: Pathogenic for Neuronal ceroid lipofuscinosis 11; GRN-related frontotemporal lobar degeneration with Tdp43 inclusions. Last evaluated: 2021-11-08. Review status: criteria provided, single submitter. Criteria: Invitae Variant Classification Sherloc (09022015). Collection method: clinical testing. Allele origin: germline.
Comment: This variant is not present in population databases (gnomAD no frequency). This sequence change creates a premature translational stop signal (p.Leu14Alafs*51) in the GRN gene. It is expected to result in an absent or disrupted protein product. Loss-of-function variants in GRN are known to be pathogenic (PMID: 16862116, 16950801, 22608501). This variant has not been reported in the literature in individuals affected with GRN-related conditions. For these reasons, this variant has been classified as Pathogenic.

Literature cited by the submitters: PubMed 16862116; PubMed 16950801; PubMed 22608501.

NM_002087.4(GRN):c.39dup (p.Leu14fs)

Gene: GRN (granulin precursor; plus strand). Cytogenetic location: 17q21.31.
Variant type: Duplication.
Coding change: c.39dup on transcript NM_002087.4 (MANE Select); coding-DNA position 39, one base duplicated (G; older notation c.39dupG).
Protein change: p.Leu14fs; shifts the reading frame from leucine 14.
Molecular consequence: frameshift variant.
Genome position (GRCh38, 1-based): chr17:44,349,203, G duplicated; the last of 3 consecutive G bases (chr17:44,349,201-44,349,203); duplicating any one gives the same sequence. VCF-style (leftmost placement, unchanged base first): chr17-44349200-A-AG. GRCh37 (hg19) VCF-style: chr17-42426568-A-AG.
Other names: short protein forms L14fs.
Identifiers: ClinVar variation 1453069 (VCV001453069.6), dbSNP rs2143325096, ClinGen allele CA2573153931.
Genomic context (GRCh38, chr17:44,349,200, plus strand): 5'-TTCCTTGGTACTTTGCAGGCAGACCATGTGGACCCTGGTGAGCTGGGTGGCCTTAACAGC[A>AG]GGGCTGGTGGCTGGAACGCGGTGCCCAGATGGTCAGTTCTGCCCTGTGGCCTGCTGCCTG-3'